The following is an entry in ClinVar:

NM_005045.4(RELN):c.8843+2T>C

Genes: SLC26A5-AS1 (SLC26A5 antisense RNA 1; plus strand), RELN (reelin; minus strand). Cytogenetic location: 7q22.1.
Variant type: single nucleotide variant.
Coding change: c.8843+2T>C on transcript NM_005045.4 (MANE Select); the canonical splice donor site of the intron after coding-DNA position 8843, T replaced by C.
Molecular consequence: splice donor variant.
Genome position (GRCh38, 1-based): chr7:103,498,075, A>G on the plus strand (T>C on the coding strand, the complement: RELN is on the minus strand). VCF-style: chr7-103498075-A-G. GRCh37 (hg19) VCF-style: chr7-103138522-A-G.
Other names: c.8843+2T>C (NM_173054.3).
Identifiers: ClinVar variation 2066650 (VCV002066650.4), dbSNP rs2484703480, ClinGen allele CA368752927.
Genomic context (GRCh38, chr7:103,498,075, plus strand): 5'-TCCTTGCTTTGGGACCAATTTGCTATGGTGCAATAGAAATAACTAACAAAAAATTCACTT[A>G]CTTTGCACCTCGAAGATCCAAATCTTGTGTAACCGCTTGTCTCACAGTGGATCCCCCAAA-3'

ClinVar aggregate classification (germline): Likely pathogenic (1 of 4 stars; one submission).

Conditions:
Norman-Roberts syndrome (LIS2). Also called: Lissencephaly 2 (Norman-Roberts type). Identifiers: Orphanet 89844, MedGen C0796089, MONDO:0009760, OMIM 257320.
Familial temporal lobe epilepsy 7. Identifiers: Orphanet 101046, MedGen C4225327, MONDO:0014639, OMIM 616436.

Submission:

Labcorp Genetics (formerly Invitae), Labcorp
Classification: Likely pathogenic for Familial temporal lobe epilepsy 7; Norman-Roberts syndrome. Last evaluated: 2022-03-13. Review status: criteria provided, single submitter. Criteria: Invitae Variant Classification Sherloc (09022015). Collection method: clinical testing. Allele origin: germline.
Comment: In summary, the currently available evidence indicates that the variant is pathogenic, but additional data are needed to prove that conclusively. Therefore, this variant has been classified as Likely Pathogenic. Algorithms developed to predict the effect of sequence changes on RNA splicing suggest that this variant may create or strengthen a splice site. This variant has not been reported in the literature in individuals affected with RELN-related conditions. This variant is not present in population databases (gnomAD no frequency). This sequence change affects a donor splice site in intron 54 of the RELN gene. It is expected to disrupt RNA splicing. Variants that disrupt the donor or acceptor splice site typically lead to a loss of protein function (PMID: 16199547), and loss-of-function variants in RELN are known to be pathogenic (PMID: 10973257, 26046367, 28454995).

Literature cited by the submitters: PubMed 16199547; PubMed 10973257; PubMed 26046367; PubMed 28454995.